The following is an entry in ClinVar:

NM_006506.5(RASA2):c.49del (p.Ala17fs)

Genes: RASA2 (RAS p21 protein activator 2; plus strand), LOC129937686 (ATAC-STARR-seq lymphoblastoid silent region 14777; plus strand). Cytogenetic location: 3q23.
Variant type: Deletion.
Coding change: c.49del on transcript NM_006506.5 (MANE Select); coding-DNA position 49, one base deleted (G; older notation c.49delG).
Protein change: p.Ala17fs; shifts the reading frame from alanine 17.
Molecular consequence: frameshift variant.
Genome position (GRCh38, 1-based): chr3:141,487,132, G deleted. VCF-style (leftmost placement, unchanged base first): chr3-141487131-AG-A. GRCh37 (hg19) VCF-style: chr3-141205973-AG-A.
Other names: c.49del, p.Ala17fs (NM_001303245.3, NM_001303246.3); short protein forms A17fs.
Identifiers: ClinVar variation 2506327 (VCV002506327.1), dbSNP rs2478325301, ClinGen allele CA2580615983.

ClinVar aggregate classification (germline): Uncertain significance (1 of 4 stars; one submission).

Submission:

Women's Health and Genetics/Laboratory Corporation of America, LabCorp
Classification: Uncertain significance. Last evaluated: 2023-05-30. Review status: criteria provided, single submitter. Criteria: LabCorp Variant Classification Summary - May 2015. Collection method: clinical testing. Allele origin: germline.
Comment: Variant summary: RASA2 c.49delG (p.Ala17ArgfsX43) results in a premature termination codon, predicted to cause a truncation of the encoded protein or absence of the protein due to nonsense mediated decay, which is not a common mechanism of disease for this gene. The variant was absent in 118970 control chromosomes (gnomAD). The available data on variant occurrences in the general population are insufficient to allow any conclusion about variant significance. To our knowledge, no occurrence of c.49delG in individuals affected with Noonan Syndrome and no experimental evidence demonstrating its impact on protein function have been reported. No clinical diagnostic laboratories have submitted clinical-significance assessments for this variant to ClinVar after 2014. Based on the evidence outlined above, the variant was classified as uncertain significance.